The following is an entry in ClinVar:

NM_000245.4(MET):c.2265-58dup

Gene: MET (MET proto-oncogene, receptor tyrosine kinase; plus strand). Cytogenetic location: 7q31.2.
Variant type: Duplication.
Coding change: c.2265-58dup on transcript NM_000245.4 (MANE Select); 58 bases into the intron before coding-DNA position 2265, one base duplicated (A; older notation c.2265-58dupA).
Molecular consequence: intron variant.
Genome position (GRCh38, 1-based): chr7:116,759,333, A duplicated. VCF-style (leftmost placement, unchanged base first): chr7-116759332-T-TA. GRCh37 (hg19) VCF-style: chr7-116399386-T-TA.
Other names: c.2265-4dupA (NM_001127500.1); c.2265-4dup (NM_001127500.3); c.975-58dup (NM_001324402.2); c.2265-58dup (NM_001324401.3).
Identifiers: ClinVar variation 596287 (VCV000596287.6), dbSNP rs773835391, ClinGen allele CA4448440.
Genomic context (GRCh38, chr7:116,759,332, plus strand): 5'-TGATGTTGACTGTGCCTCTGACCTGTAATCAGTGCAGGTGATTAAATTGAATCCCTCTCT[T>TA]ACAGTACTTGGTGGAAAGAACCTCTCAACATTGTCAGTTTTCTATTTTGCTTTGCCAGTG-3'

ClinVar aggregate classification (germline): Uncertain significance. Review status: criteria provided, multiple submitters, no conflicts (2 of 4 stars). 2 submissions from 2 submitters: Uncertain significance (2). Last evaluated 2024-06-24.

Conditions:
Hereditary cancer-predisposing syndrome. Also called: Hereditary Cancer Syndrome; Hereditary neoplastic syndrome; Neoplastic Syndromes, Hereditary; Tumor predisposition. Identifiers: Orphanet 140162, MedGen C0027672, MeSH D009386, MONDO:0015356.

Allele frequency attached by ClinVar (database versions not stated): gnomAD 0.00001; TOPMed 0.00001; ExAC 0.00003.

Submissions (2):

Ambry Genetics
Classification: Uncertain significance for Hereditary cancer-predisposing syndrome. Last evaluated: 2024-06-24. Review status: criteria provided, single submitter. Criteria: Ambry Variant Classification Scheme 2023. Collection method: clinical testing. Allele origin: germline.
Comment: The c.2265-4dupA intronic variant, results from a duplication of one nucleotide at nucleotide position 2265 before intron 8 of the MET gene. This nucleotide position is not well conserved in available vertebrate species. In silico splice site analysis predicts that this alteration will not have any significant effect on splicing. Based on the available evidence, the clinical significance of this variant remains unclear.

Eurofins Ntd Llc (ga)
Classification: Uncertain significance. Last evaluated: 2018-03-09. Review status: criteria provided, single submitter. Criteria: EGL ClinVar v180209 classification definitions. Collection method: clinical testing. Allele origin: germline. Observed: 1 variant allele, 1 heterozygote.